The following is an entry in ClinVar:

ClinVar aggregate classification (germline): Benign/Likely benign. Review status: criteria provided, multiple submitters, no conflicts (2 of 4 stars). 8 submissions from 8 submitters: Benign (5); Likely benign (2). 1 of the submissions does not count toward it. Last evaluated 2026-02-01.

Conditions:
Hereditary cancer-predisposing syndrome. Also called: Tumor predisposition; Neoplastic Syndromes, Hereditary; Hereditary neoplastic syndrome; Hereditary Cancer Syndrome. Identifiers: Orphanet 140162, MedGen C0027672, MeSH D009386, MONDO:0015356.
Tuberous sclerosis syndrome (TSC). Also called: Tuberous Sclerosis Complex; Tuberous sclerosis. Identifiers: Orphanet 805, MedGen C0041341, MONDO:0001734.
Tuberous sclerosis 1 (TSC1). Identifiers: Orphanet 805, MedGen C1854465, MONDO:0008612, OMIM 191100.

Allele frequency attached by ClinVar (database versions not stated): gnomAD exomes 0.00033; 1000 Genomes Project 30x 0.00094; TOPMed 0.00014; gnomAD 0.00025; ExAC 0.00030; 1000 Genomes Project 0.00120.
gnomAD v4.1: 155 of 1,607,868 alleles (0.0096%); highest among the groups gnomAD compares: East Asian, 0.33%; 1 homozygote.

Submissions (8):

Labcorp Genetics (formerly Invitae), Labcorp
Classification: Benign for Tuberous sclerosis 1. Last evaluated: 2026-02-01. Review status: criteria provided, single submitter. Criteria: Invitae Variant Classification Sherloc (09022015). Collection method: clinical testing. Allele origin: germline.

Blueprint Genetics
Classification: Likely benign. Last evaluated: 2024-10-08. Review status: criteria provided, single submitter. Criteria: ACMG Guidelines, 2015. Collection method: clinical testing. Allele origin: germline.

Myriad Genetics, Inc.
Classification: Benign for Tuberous sclerosis 1. Last evaluated: 2024-09-05. Review status: criteria provided, single submitter. Criteria: Myriad Autosomal Dominant, Autosomal Recessive and X-Linked Classification Criteria (2023). Collection method: clinical testing. Allele origin: unknown.
Comment: This variant is considered benign. This variant is intronic and is not expected to impact mRNA splicing. This variant has been observed at a population frequency that is significantly greater than expected given the associated disease prevalence and penetrance.

All of Us Research Program, National Institutes of Health
Classification: Benign for Tuberous sclerosis syndrome. Last evaluated: 2024-01-03. Review status: criteria provided, single submitter. Criteria: ACMG Guidelines, 2015. Collection method: clinical testing. Allele origin: germline. Inheritance: Autosomal dominant inheritance. Observed: 25 variant alleles, 25 heterozygotes.
Comment: This study involves interpretation of variants in research participants for the purpose of population health screening. Participant phenotype was not available at the time of variant classification. Additional details can be found in publication PMID: 35346344, PMCID: PMC8962531

Color Diagnostics, LLC DBA Color Health
Classification: Benign for Tuberous sclerosis syndrome. Last evaluated: 2022-11-08. Review status: criteria provided, single submitter. Criteria: ACMG Guidelines, 2015. Collection method: clinical testing. Allele origin: germline.

Sema4
Classification: Benign for Hereditary cancer-predisposing syndrome. Last evaluated: 2022-01-06. Review status: criteria provided, single submitter. Criteria: Sema4 Curation Guidelines. Collection method: curation. Allele origin: germline.

GeneDx
Classification: Likely benign. Last evaluated: 2020-08-25. Review status: criteria provided, single submitter. Criteria: GeneDx Variant Classification Process June 2021. Collection method: clinical testing. Allele origin: germline. Affected: yes.
Comment: This variant is associated with the following publications: (PMID: 16981987)

Tuberous sclerosis database (TSC1)
No classification provided. Condition: TSC. Review status: no classification provided. Criteria: Tuberous Sclerosis Database Assertion Criteria 2015. Collection method: curation. Allele origin: germline. Affected: yes. Not counted in ClinVar's aggregate classification.

NM_000368.5(TSC1):c.1264-12T>C

Gene: TSC1 (TSC complex subunit 1; minus strand). Cytogenetic location: 9q34.13.
Variant type: single nucleotide variant.
Coding change: c.1264-12T>C on transcript NM_000368.5 (MANE Select); 12 bases into the intron before coding-DNA position 1264, T replaced by C.
Molecular consequence: intron variant.
Genome position (GRCh38, 1-based): chr9:132,907,382, A>G on the plus strand (T>C on the coding strand, the complement: TSC1 is on the minus strand). VCF-style: chr9-132907382-A-G. GRCh37 (hg19) VCF-style: chr9-135782769-A-G.
Other names: c.901-12T>C (NM_001362177.2); c.1111-12T>C (NM_001162427.2); c.1261-12T>C (NM_001162426.2).
Identifiers: ClinVar variation 48754 (VCV000048754.14), dbSNP rs118203508, ClinGen allele CA004559.